The following is an entry in ClinVar:

ClinVar aggregate classification (germline): Uncertain significance (1 of 4 stars; one submission).

Conditions:
Hereditary cancer-predisposing syndrome. Also called: Tumor predisposition; Hereditary Cancer Syndrome; Hereditary neoplastic syndrome; Neoplastic Syndromes, Hereditary. Identifiers: Orphanet 140162, MedGen C0027672, MeSH D009386, MONDO:0015356.

Submission:

Labcorp Genetics (formerly Invitae), Labcorp
Classification: Uncertain significance for Hereditary cancer-predisposing syndrome. Last evaluated: 2021-12-14. Review status: criteria provided, single submitter. Criteria: Invitae Variant Classification Sherloc (09022015). Collection method: clinical testing. Allele origin: germline.
Comment: In summary, the available evidence is currently insufficient to determine the role of this variant in disease. Therefore, it has been classified as a Variant of Uncertain Significance. Experimental studies and prediction algorithms are not available or were not evaluated, and the functional significance of this variant is currently unknown. This variant has not been reported in the literature in individuals affected with RAD50-related conditions. This variant is not present in population databases (gnomAD no frequency). This variant, c.3761_3763del, results in the deletion of 1 amino acid(s) of the RAD50 protein (p.Lys1254del), but otherwise preserves the integrity of the reading frame.

NM_005732.4(RAD50):c.3761_3763del (p.Lys1254del)

Genes: TH2LCRR (T helper type 2 locus control region associated RNA; minus strand), TH2-LCR (Th2 cytokine locus control region; plus strand), RAD50 (RAD50 double strand break repair protein; plus strand). Cytogenetic location: 5q31.1.
Variant type: Deletion.
Coding change: c.3761_3763del on transcript NM_005732.4 (MANE Select); coding-DNA positions 3761 to 3763, 3 bases deleted (AAA; older notation c.3761_3763delAAA).
Protein change: p.Lys1254del; deletes lysine 1254.
Molecular consequence: inframe deletion.
Genome position (GRCh38, 1-based): chr5:132,642,186-132,642,188, AAA deleted; deleting any 3 consecutive bases within chr5:132,642,184-132,642,188 gives the same sequence; the c. name uses the placement nearest the transcript's 3' end. VCF-style (leftmost placement, unchanged base first): chr5-132642183-TAAA-T. GRCh37 (hg19) VCF-style: chr5-131977875-TAAA-T.
Other names: short protein forms K1254del.
Identifiers: ClinVar variation 1441230 (VCV001441230.6), dbSNP rs760621534, ClinGen allele CA2573139102.
Genomic context (GRCh38, chr5:132,642,183, plus strand): 5'-TCAAAGAAGGGGTTATGCTCTTTACTAATAATATGTTCTGAATATATTGTTGCAGGATAA[TAAA>T]AAGTCGCTCACAGCAGCGTAACTTCCAGCTTCTGGTAATCACTCATGATGAAGATTTTGT-3'